The following is an entry in ClinVar:

NM_006440.5(TXNRD2):c.895_896delinsCA (p.Ser299His)

Gene: TXNRD2 (thioredoxin reductase 2; minus strand). Cytogenetic location: 22q11.21.
Variant type: Indel.
Coding change: c.895_896delinsCA on transcript NM_006440.5 (MANE Select); coding-DNA positions 895 to 896, AG replaced by CA.
Protein change: p.Ser299His; replaces serine 299 with histidine.
Molecular consequence: missense variant. On other transcripts: non-coding transcript variant (1).
Genome position (GRCh38, 1-based): chr22:19,895,460-19,895,461, CT replaced by TG on the plus strand (AG replaced by CA on the coding strand, the reverse complement: TXNRD2 is on the minus strand). VCF-style: chr22-19895460-CT-TG. GRCh37 (hg19) VCF-style: chr22-19882983-CT-TG.
Other names: c.895_896delinsCA, p.Ser299His (NM_001282512.3); c.892_893delinsCA, p.Ser298His (NM_001352300.2); c.805_806delinsCA, p.Ser269His (NM_001352301.2); c.607_608delinsCA, p.Ser203His (NM_001352302.2); c.799_800delinsCA, p.Ser267His (NM_001352303.2); c.895_896delAGinsCA, p.Ser299His (NM_006440.3); short protein forms S203H, S267H, S269H, S298H, S299H.
Identifiers: ClinVar variation 3361028 (VCV003361028.1).
Genomic context (GRCh38, chr22:19,895,460, plus strand): 5'-CCCTTACCTATGGCCCACAGGACGGTGTCAAAGGTGCCCGTGTCCTCCTTGCCGGTGGTG[CT>TG]GTCCTCCCAGGTGACCTGCAGCTGGCCATCAGGGAGCCTCCTGACCCGCGAGGGGGCACA-3'
Protein context (NP_006431.2, residues 289-309): DGQLQVTWED[Ser299His]TTGKEDTGTF

ClinVar aggregate classification (germline): Uncertain significance (1 of 4 stars; one submission).

Submission:

GeneDx
Classification: Uncertain significance. Last evaluated: 2023-07-12. Review status: criteria provided, single submitter. Criteria: GeneDx Variant Classification Process June 2021. Collection method: clinical testing. Allele origin: germline. Affected: yes.
Comment: Has not been previously published as pathogenic or benign to our knowledge; Not observed at significant frequency in large population cohorts (gnomAD); In silico analysis supports that this variant does not alter protein structure/function